The following is an entry in ClinVar:

NM_002485.5(NBN):c.1982C>T (p.Ser661Leu)

Gene: NBN (nibrin; minus strand). Cytogenetic location: 8q21.3.
Variant type: single nucleotide variant.
Coding change: c.1982C>T on transcript NM_002485.5 (MANE Select); coding-DNA position 1982, C replaced by T.
Protein change: p.Ser661Leu; replaces serine 661 with leucine.
Molecular consequence: missense variant.
Genome position (GRCh38, 1-based): chr8:89,946,228, G>A on the plus strand (C>T on the coding strand, the complement: NBN is on the minus strand). VCF-style: chr8-89946228-G-A. GRCh37 (hg19) VCF-style: chr8-90958456-G-A.
Other names: c.1736C>T, p.Ser579Leu (NM_001024688.3); short protein forms S579L, S661L.
Identifiers: ClinVar variation 1018337 (VCV001018337.11), dbSNP rs1810183784, ClinGen allele CA371676510.

ClinVar aggregate classification (germline): Uncertain significance. Review status: criteria provided, multiple submitters, no conflicts (2 of 4 stars). 2 submissions from 2 submitters: Uncertain significance (2). Last evaluated 2020-08-02.

Conditions:
Hereditary cancer-predisposing syndrome. Also called: Tumor predisposition; Hereditary Cancer Syndrome; Neoplastic Syndromes, Hereditary; Hereditary neoplastic syndrome. Identifiers: Orphanet 140162, MedGen C0027672, MeSH D009386, MONDO:0015356.
Microcephaly, normal intelligence and immunodeficiency (NBS). Also called: SEEMANOVA SYNDROME II; IMMUNODEFICIENCY, MICROCEPHALY, AND CHROMOSOMAL INSTABILITY; Ataxia telangiectasia variant V1; BERLIN BREAKAGE SYNDROME; Nijmegen breakage syndrome; Microcephaly with normal intelligence immunodeficiency and lymphoreticular malignancies. Identifiers: Orphanet 647, MedGen C0398791, MONDO:0009623, OMIM 251260.

Submissions (2):

Labcorp Genetics (formerly Invitae), Labcorp
Classification: Uncertain significance for Microcephaly, normal intelligence and immunodeficiency. Last evaluated: 2020-08-02. Review status: criteria provided, single submitter. Criteria: Invitae Variant Classification Sherloc (09022015). Collection method: clinical testing. Allele origin: germline.
Comment: This variant has not been reported in the literature in individuals with NBN-related conditions. This variant is not present in population databases (ExAC no frequency). This sequence change replaces serine with leucine at codon 661 of the NBN protein (p.Ser661Leu). The serine residue is moderately conserved and there is a large physicochemical difference between serine and leucine. Algorithms developed to predict the effect of missense changes on protein structure and function are either unavailable or do not agree on the potential impact of this missense change (SIFT: "Deleterious"; PolyPhen-2: "Possibly Damaging"; Align-GVGD: "Class C0"). In summary, the available evidence is currently insufficient to determine the role of this variant in disease. Therefore, it has been classified as a Variant of Uncertain Significance.

Ambry Genetics
Classification: Uncertain significance for Hereditary cancer-predisposing syndrome. Last evaluated: 2019-10-28. Review status: criteria provided, single submitter. Criteria: Ambry Variant Classification Scheme 2023. Collection method: clinical testing. Allele origin: germline.
Comment: The p.S661L variant (also known as c.1982C>T), located in coding exon 13 of the NBN gene, results from a C to T substitution at nucleotide position 1982. The serine at codon 661 is replaced by leucine, an amino acid with dissimilar properties. This amino acid position is well conserved in available vertebrate species. In addition, the in silico prediction for this alteration is inconclusive. Since supporting evidence is limited at this time, the clinical significance of this alteration remains unclear.